The following is an entry in ClinVar:

ClinVar aggregate classification (germline): Uncertain significance. Review status: criteria provided, single submitter (1 of 4 stars). 2 submissions from 2 submitters: Uncertain significance (1). 1 of the submissions does not count toward it. Last evaluated 2022-08-17.

Conditions:
Inborn genetic diseases. Identifiers: MedGen C0950123, MeSH D030342.
ZFPM2-related disorder. Also called: ZFPM2-related condition.

Allele frequency attached by ClinVar (database versions not stated): ExAC 0.00002; TOPMed 0.00004; gnomAD 0.00005; ESP Exome Variant Server 0.00016.

Submissions (2):

Ambry Genetics
Classification: Uncertain significance for Inborn genetic diseases. Last evaluated: 2022-08-17. Review status: criteria provided, single submitter. Criteria: Ambry Variant Classification Scheme 2023. Collection method: clinical testing. Allele origin: germline.

PreventionGenetics, part of Exact Sciences
Classification: Uncertain significance for ZFPM2-related condition. Last evaluated: 2023-12-31. Review status: no assertion criteria provided. Collection method: clinical testing. Allele origin: germline. Not counted in ClinVar's aggregate classification.
Comment: The ZFPM2 c.1195C>T variant is predicted to result in the amino acid substitution p.His399Tyr. To our knowledge, this variant has not been reported in the literature. This variant is reported in 0.0041% of alleles in individuals of African descent in gnomAD. At this time, the clinical significance of this variant is uncertain due to the absence of conclusive functional and genetic evidence.

NM_012082.4(ZFPM2):c.1195C>T (p.His399Tyr)

Genes: ZFPM2 (zinc finger protein, FOG family member 2; plus strand), ZFPM2-AS1 (ZFPM2 antisense RNA 1; minus strand). Cytogenetic location: 8q23.1.
Variant type: single nucleotide variant.
Coding change: c.1195C>T on transcript NM_012082.4 (MANE Select); coding-DNA position 1195, C replaced by T.
Protein change: p.His399Tyr; replaces histidine 399 with tyrosine.
Molecular consequence: missense variant.
Genome position (GRCh38, 1-based): chr8:105,801,277, C>T. VCF-style: chr8-105801277-C-T. GRCh37 (hg19) VCF-style: chr8-106813505-C-T.
Other names: c.1036C>T, p.His346Tyr (NM_001362836.2); c.799C>T, p.His267Tyr (NM_001362837.2); short protein forms H267Y, H399Y, H346Y.
Identifiers: ClinVar variation 2405225 (VCV002405225.4), dbSNP rs369889214, ClinGen allele CA4839715.